The following is an entry in ClinVar:

ClinVar aggregate classification (germline): Uncertain significance (1 of 4 stars; one submission).

Conditions:
Familial thoracic aortic aneurysm and aortic dissection (TAAD). Also called: Thoracic aortic aneurysms and dissections. Identifiers: Orphanet 91387, MedGen C4707243, MONDO:0019625.
Hereditary cancer-predisposing syndrome. Also called: Tumor predisposition; Neoplastic Syndromes, Hereditary; Hereditary neoplastic syndrome; Hereditary Cancer Syndrome. Identifiers: Orphanet 140162, MedGen C0027672, MeSH D009386, MONDO:0015356.

Submission:

Ambry Genetics
Classification: Uncertain significance for Hereditary cancer-predisposing syndrome; Familial thoracic aortic aneurysm and aortic dissection. Last evaluated: 2024-08-15. Review status: criteria provided, single submitter. Criteria: Ambry Variant Classification Scheme 2023. Collection method: clinical testing. Allele origin: germline.
Comment: The p.K507E variant (also known as c.1519A>G), located in coding exon 11 of the SMAD4 gene, results from an A to G substitution at nucleotide position 1519. The lysine at codon 507 is replaced by glutamic acid, an amino acid with similar properties. This amino acid position is highly conserved in available vertebrate species. In addition, this alteration is predicted to be deleterious by in silico analysis. Based on the available evidence, the clinical significance of this variant remains unclear.

NM_005359.6(SMAD4):c.1519A>G (p.Lys507Glu)

Gene: SMAD4 (SMAD family member 4; plus strand). Cytogenetic location: 18q21.2.
Variant type: single nucleotide variant.
Coding change: c.1519A>G on transcript NM_005359.6 (MANE Select); coding-DNA position 1519, A replaced by G.
Protein change: p.Lys507Glu; replaces lysine 507 with glutamic acid.
Molecular consequence: missense variant. On other transcripts: non-coding transcript variant (1).
Genome position (GRCh38, 1-based): chr18:51,078,327, A>G. VCF-style: chr18-51078327-A-G. GRCh37 (hg19) VCF-style: chr18-48604697-A-G.
Other names: c.1519A>G, p.Lys507Glu (NM_001407041.1, NM_001407042.1); short protein forms K507E.
Identifiers: ClinVar variation 3445846 (VCV003445846.1).